The following is an entry in ClinVar:

ClinVar aggregate classification (germline): Pathogenic. Review status: criteria provided, multiple submitters, no conflicts (2 of 4 stars). 3 submissions from 3 submitters: Pathogenic (3). Last evaluated 2026-06-29.

Conditions:
Hereditary cancer-predisposing syndrome. Also called: Neoplastic Syndromes, Hereditary; Hereditary neoplastic syndrome; Hereditary Cancer Syndrome; Tumor predisposition. Identifiers: Orphanet 140162, MedGen C0027672, MeSH D009386, MONDO:0015356.
Multiple endocrine neoplasia, type 1 (MEN1). Also called: MEA I; MEN I; WERMER SYNDROME; Endocrine adenomatosis multiple; MEN 1. Identifiers: Orphanet 652, MedGen C0025267, MeSH D018761, MONDO:0007540, OMIM 131100.

Submissions (3):

Ambry Genetics
Classification: Pathogenic for Hereditary cancer-predisposing syndrome. Last evaluated: 2026-06-29. Review status: criteria provided, single submitter. Criteria: Ambry Variant Classification Scheme 2023. Collection method: clinical testing. Allele origin: germline.
Comment: The p.D172Y variant (also known as c.514G>T), located in coding exon 2 of the MEN1 gene, results from a G to T substitution at nucleotide position 514. The aspartic acid at codon 172 is replaced by tyrosine, an amino acid with highly dissimilar properties. This variant was reported in individual(s) with features consistent with multiple endocrine neoplasia type 1 (MEN1) (Giraud, S et al. Am J Hum Genet. 1998 Aug;63(2):455-67; Poncin, J et al. Hum Mutat. 1999;13(1):54-60; Verges, B et al. J Clin Endocrinol Metab. 2002 Feb;87(2):457-65; Wautot, V et al. Hum Mutat. 2002 Jul;20(1):35-47; Fujii, T et al. Pathol Int. 1999 Nov;49(11):968-73; Ambry internal data). Other variant(s) at the same codon, p.D172V (c.515A>T), have been identified in individual(s) with features consistent with MEN1 (Ambry internal data). This variant is considered to be rare based on population cohort s in the Genome Aggregation Database (gnomAD). This amino acid position is highly conserved in available vertebrate species. In addition, this alteration is predicted to be deleterious by in silico analysis. Based on the supporting evidence, this variant is interpreted as a disease-causing mutation.

Labcorp Genetics (formerly Invitae), Labcorp
Classification: Pathogenic for Multiple endocrine neoplasia, type 1. Last evaluated: 2026-01-28. Review status: criteria provided, single submitter. Criteria: Invitae Variant Classification Sherloc (09022015). Collection method: clinical testing. Allele origin: germline.
Comment: This sequence change replaces aspartic acid, which is acidic and polar, with tyrosine, which is neutral and polar, at codon 172 of the MEN1 protein (p.Asp172Tyr). RNA analysis indicates that this missense change induces altered splicing and may result in an absent or altered protein product. This variant is not present in population databases (gnomAD no frequency). This missense change has been observed in individual(s) with multiple endocrine neoplasia type 1 (PMID: 9683585, 9888389, 10594843). ClinVar contains an entry for this variant (Variation ID: 428032). Invitae Evidence Modeling of protein sequence and biophysical properties (such as structural, functional, and spatial information, amino acid conservation, physicochemical variation, residue mobility, and thermodynamic stability) indicates that this missense variant is expected to disrupt MEN1 protein function with a positive predictive value of 95%. Studies have shown that this missense change results in skipping of part of exon 3, and produces a non-functional protein and/or introduces a premature termination codon (internal data). For these reasons, this variant has been classified as Pathogenic.

ARUP Laboratories, Molecular Genetics and Genomics, ARUP Laboratories
Classification: Pathogenic. Last evaluated: 2016-12-14. Review status: criteria provided, single submitter. Criteria: ARUP Molecular Germline Variant Investigation Process. Collection method: clinical testing. Allele origin: germline.

Literature cited by the submitters: PubMed 9683585 (cited by Ambry Genetics and Labcorp Genetics (formerly Invitae), Labcorp); PubMed 9888389 (cited by Ambry Genetics and Labcorp Genetics (formerly Invitae), Labcorp); PubMed 10594843 (cited by Labcorp Genetics (formerly Invitae), Labcorp).

NM_001370259.2(MEN1):c.514G>T (p.Asp172Tyr)

Gene: MEN1 (menin 1; minus strand). Cytogenetic location: 11q13.1.
Variant type: single nucleotide variant.
Coding change: c.514G>T on transcript NM_001370259.2 (MANE Select); coding-DNA position 514, G replaced by T.
Protein change: p.Asp172Tyr; replaces aspartic acid 172 with tyrosine.
Molecular consequence: missense variant.
Genome position (GRCh38, 1-based): chr11:64,808,031, C>A on the plus strand (G>T on the coding strand, the complement: MEN1 is on the minus strand). VCF-style: chr11-64808031-C-A. GRCh37 (hg19) VCF-style: chr11-64575503-C-A.
Other names: c.529G>T, p.Asp177Tyr (NM_130800.3, NM_130801.3, NM_130802.3 and 3 more transcripts); c.514G>T, p.Asp172Tyr (NM_001370251.2, NM_001370260.2, NM_001370261.2 and 3 more transcripts); short protein forms D172Y, D177Y.
Identifiers: ClinVar variation 428032 (VCV000428032.14), dbSNP rs1114167494, ClinGen allele CA381186018.
Genomic context (GRCh38, chr11:64,808,031, plus strand): 5'-GCTCCCCATTGGGCCCAAACACTACCCAGGCATGATCCTCAGACAGGGCGAGGTGGACAT[C>A]CCGGAGACCCAGGGCCTGGCAGGCCCCAACCACAGCAAAGGCCACACCGGAGCTGTCCAA-3'
Protein context (NP_001357188.2, residues 162-182): VGACQALGLR[Asp172Tyr]VHLALSEDHA